The following is an entry in ClinVar:

NM_139321.3(ATRN):c.1604A>T (p.Tyr535Phe)

Gene: ATRN (attractin; plus strand). Cytogenetic location: 20p13.
Variant type: single nucleotide variant.
Coding change: c.1604A>T on transcript NM_139321.3 (MANE Select); coding-DNA position 1604, A replaced by T.
Protein change: p.Tyr535Phe; replaces tyrosine 535 with phenylalanine.
Molecular consequence: missense variant.
Genome position (GRCh38, 1-based): chr20:3,562,432, A>T. VCF-style: chr20-3562432-A-T. GRCh37 (hg19) VCF-style: chr20-3543079-A-T.
Other names: c.1256A>T, p.Tyr419Phe (NM_001207047.3); c.1604A>T, p.Tyr535Phe (NM_001323332.2, NM_139322.4); c.1604A>T (NM_139321.2); short protein forms Y419F, Y535F.
Identifiers: ClinVar variation 1422634 (VCV001422634.8), dbSNP rs41279368, ClinGen allele CA9744083.
Genomic context (GRCh38, chr20:3,562,432, plus strand): 5'-ACGTTCATGGTGGCTACAAGGCTTTCAGTGCCAATAAGTACCGGCTTGCAGATGATCTCT[A>T]CCGATATGATGTGGATACCCAGATGTGGTGGGTACTTTTTCTTGAGCTTTCACTTTAAGG-3'
Protein context (NP_647537.1, residues 525-545): ANKYRLADDL[Tyr535Phe]RYDVDTQMWT

ClinVar aggregate classification (germline): Uncertain significance. Review status: criteria provided, multiple submitters, no conflicts (2 of 4 stars). 2 submissions from 2 submitters: Uncertain significance (2). Last evaluated 2024-05-15.

Allele frequency attached by ClinVar (database versions not stated): ExAC 0.00008; gnomAD exomes 0.00013; ESP Exome Variant Server 0.00015; TOPMed 0.00015; gnomAD 0.00016; 1000 Genomes Project 0.00020; 1000 Genomes Project 30x 0.00031.
gnomAD v4.1: 590 of 1,614,106 alleles (0.037%); highest among the groups gnomAD compares: Non-Finnish European, 0.048%; no homozygotes.

Submissions (2):

Ambry Genetics
Classification: Uncertain significance. Last evaluated: 2024-05-15. Review status: criteria provided, single submitter. Criteria: Ambry Variant Classification Scheme 2023. Collection method: clinical testing. Allele origin: germline.

Labcorp Genetics (formerly Invitae), Labcorp
Classification: Uncertain significance. Last evaluated: 2021-11-20. Review status: criteria provided, single submitter. Criteria: Invitae Variant Classification Sherloc (09022015). Collection method: clinical testing. Allele origin: germline.
Comment: This sequence change replaces tyrosine, which is neutral and polar, with phenylalanine, which is neutral and non-polar, at codon 535 of the ATRN protein (p.Tyr535Phe). In summary, the available evidence is currently insufficient to determine the role of this variant in disease. Therefore, it has been classified as a Variant of Uncertain Significance. Algorithms developed to predict the effect of missense changes on protein structure and function are either unavailable or do not agree on the potential impact of this missense change (SIFT: "Deleterious"; PolyPhen-2: "Probably Damaging"; Align-GVGD: "Class C0"). This variant has not been reported in the literature in individuals affected with ATRN-related conditions. This variant is present in population databases (rs41279368, gnomAD 0.02%).